The following is an entry in ClinVar:

NM_012208.4(HARS2):c.1431C>G (p.Ile477Met)

Gene: HARS2 (histidyl-tRNA synthetase 2, mitochondrial; plus strand). Cytogenetic location: 5q31.3.
Variant type: single nucleotide variant.
Coding change: c.1431C>G on transcript NM_012208.4 (MANE Select); coding-DNA position 1431, C replaced by G.
Protein change: p.Ile477Met; replaces isoleucine 477 with methionine.
Molecular consequence: missense variant.
Genome position (GRCh38, 1-based): chr5:140,698,048, C>G. VCF-style: chr5-140698048-C-G. GRCh37 (hg19) VCF-style: chr5-140077633-C-G.
Other names: c.1356C>G, p.Ile452Met (NM_001278731.2); c.999C>G, p.Ile333Met (NM_001278732.2); c.1449C>G, p.Ile483Met (NM_001363535.2); c.1221C>G, p.Ile407Met (NM_001363536.2); short protein forms I333M, I407M, I452M, I477M, I483M.
Identifiers: ClinVar variation 3902983 (VCV003902983.1).

ClinVar aggregate classification (germline): Uncertain significance (1 of 4 stars; one submission).

Submission:

GeneDx
Classification: Uncertain significance. Last evaluated: 2024-12-12. Review status: criteria provided, single submitter. Criteria: GeneDx Variant Classification Process June 2021. Collection method: clinical testing. Allele origin: germline. Affected: yes.
Comment: Not observed at significant frequency in large population cohorts (gnomAD); In silico analysis indicates that this missense variant does not alter protein structure/function; Has not been previously published as pathogenic or benign to our knowledge